The following is an entry in ClinVar:

ClinVar aggregate classification (germline): Uncertain significance (1 of 4 stars; one submission).

Conditions:
Epidermolysis bullosa simplex 5C, with pyloric atresia (EBS5C). Also called: PLEC-Related Epidermolysis Bullosa with Pyloric Atresia; Epidermolysis bullosa simplex with pyloric atresia; PLEC1-Related Epidermolysis Bullosa with Pyloric Atresia. Identifiers: Orphanet 158684, MedGen C2677349, MONDO:0012807, OMIM 612138.
Autosomal recessive limb-girdle muscular dystrophy type 2Q (LGMDR17). Also called: MUSCULAR DYSTROPHY, LIMB-GIRDLE, AUTOSOMAL RECESSIVE 17. Identifiers: Orphanet 254361, MedGen C3150989, MONDO:0013390, OMIM 613723.
Epidermolysis bullosa simplex 5B, with muscular dystrophy (EBS5B). Also called: Epidermolysis bullosa simplex with muscular dystrophy; EPIDERMOLYSIS BULLOSA SIMPLEX AND LIMB-GIRDLE MUSCULAR DYSTROPHY. Identifiers: Orphanet 257, MedGen C2931072, MONDO:0009181, OMIM 226670.
Epidermolysis bullosa simplex, Ogna type (EBS5A). Also called: EPIDERMOLYSIS BULLOSA SIMPLEX 5A, OGNA TYPE; Pidermolysis bullosa simplex 5A, Ogna type. Identifiers: Orphanet 79401, MedGen C0432317, MONDO:0007555, OMIM 131950.
Epidermolysis bullosa simplex with nail dystrophy (EBS5D). Identifiers: MedGen C4225309, MONDO:0014661, OMIM 616487.

Submission:

Labcorp Genetics (formerly Invitae), Labcorp
Classification: Uncertain significance for Autosomal recessive limb-girdle muscular dystrophy type 2Q; Epidermolysis bullosa simplex, Ogna type; Epidermolysis bullosa simplex with nail dystrophy; Epidermolysis bullosa simplex 5C, with pyloric atresia; Epidermolysis bullosa simplex 5B, with muscular dystrophy. Last evaluated: 2022-09-06. Review status: criteria provided, single submitter. Criteria: Invitae Variant Classification Sherloc (09022015). Collection method: clinical testing. Allele origin: germline.
Comment: This sequence change replaces alanine, which is neutral and non-polar, with serine, which is neutral and polar, at codon 454 of the PLEC protein (p.Ala454Ser). This variant is not present in population databases (gnomAD no frequency). This variant has not been reported in the literature in individuals affected with PLEC-related conditions. Algorithms developed to predict the effect of missense changes on protein structure and function are either unavailable or do not agree on the potential impact of this missense change (SIFT: "Tolerated"; PolyPhen-2: "Not Available"; Align-GVGD: "Class C0"). Algorithms developed to predict the effect of sequence changes on RNA splicing suggest that this variant may create or strengthen a splice site. In summary, the available evidence is currently insufficient to determine the role of this variant in disease. Therefore, it has been classified as a Variant of Uncertain Significance.

NM_201384.3(PLEC):c.1279G>T (p.Ala427Ser)

Gene: PLEC (plectin; minus strand). Cytogenetic location: 8q24.3.
Variant type: single nucleotide variant.
Coding change: c.1279G>T on transcript NM_201384.3 (MANE Select); coding-DNA position 1279, G replaced by T.
Protein change: p.Ala427Ser; replaces alanine 427 with serine.
Molecular consequence: missense variant.
Genome position (GRCh38, 1-based): chr8:143,933,336, C>A on the plus strand (G>T on the coding strand, the complement: PLEC is on the minus strand). VCF-style: chr8-143933336-C-A. GRCh37 (hg19) VCF-style: chr8-145007504-C-A.
Other names: c.1360G>T, p.Ala454Ser (NM_000445.5, NM_001410941.1); c.1237G>T, p.Ala413Ser (NM_201378.4); c.1213G>T, p.Ala405Ser (NM_201379.3); c.1690G>T, p.Ala564Ser (NM_201380.4); c.1183G>T, p.Ala395Ser (NM_201381.3); c.1279G>T, p.Ala427Ser (NM_201382.4); c.1291G>T, p.Ala431Ser (NM_201383.3); short protein forms A395S, A405S, A413S, A427S, A431S, A454S, A564S.
Identifiers: ClinVar variation 1717225 (VCV001717225.6), dbSNP rs1554719372, ClinGen allele CA372582658.
Genomic context (GRCh38, chr8:143,933,336, plus strand): 5'-TATCCGCCTTGTCCAAGTCCCGTTCCACCTCCCCCGCCCGCTGTGGCACTTTGCCTGCAG[C>A]CAGCAGCCGGACATCCTGCAAGGTCGTTGCCATGACTCGGAGCACAGCTGATCCCCCTCT-3'
Protein context (NP_958786.1, residues 417-437): ALLQSDVRLL[Ala427Ser]AGKVPQRAGE